The following is an entry in ClinVar:

ClinVar aggregate classification (germline): Uncertain significance (1 of 4 stars; one submission).

gnomAD v4.1: 2 of 1,546,416 alleles (0.00013%); highest among the groups gnomAD compares: South Asian, 0.0012%; no homozygotes.

Submission:

GeneDx
Classification: Uncertain significance. Last evaluated: 2024-04-05. Review status: criteria provided, single submitter. Criteria: GeneDx Variant Classification Process June 2021. Collection method: clinical testing. Allele origin: germline. Affected: yes.
Comment: Not observed at significant frequency in large population cohorts (gnomAD); In silico analysis supports that this missense variant has a deleterious effect on protein structure/function; Has not been previously published as pathogenic or benign to our knowledge

NM_000474.4(TWIST1):c.305C>T (p.Ser102Phe)

Gene: TWIST1 (twist family bHLH transcription factor 1; minus strand). Cytogenetic location: 7p21.1.
Variant type: single nucleotide variant.
Coding change: c.305C>T on transcript NM_000474.4 (MANE Select); coding-DNA position 305, C replaced by T.
Protein change: p.Ser102Phe; replaces serine 102 with phenylalanine.
Molecular consequence: missense variant. On other transcripts: non-coding transcript variant (1).
Genome position (GRCh38, 1-based): chr7:19,117,017, G>A on the plus strand (C>T on the coding strand, the complement: TWIST1 is on the minus strand). VCF-style: chr7-19117017-G-A. GRCh37 (hg19) VCF-style: chr7-19156640-G-A.
Other names: short protein forms S102F.
Identifiers: ClinVar variation 3372056 (VCV003372056.1).